The following is an entry in ClinVar:

ClinVar aggregate classification (germline): Pathogenic/Likely pathogenic. Review status: criteria provided, multiple submitters, no conflicts (2 of 4 stars). 4 submissions from 4 submitters: Pathogenic (3); Likely pathogenic (1). Last evaluated 2025-09-08.

Conditions:
alpha Thalassemia. Also called: Alpha thalassemia spectrum. Identifiers: Orphanet 846, MedGen C0002312, MONDO:0011399, OMIM 604131.
Erythrocytosis, familial, 7. Also called: ERYTHROCYTOSIS 7; ERYTHROCYTOSIS, ALPHA-GLOBIN TYPE; POLYCYTHEMIA, ALPHA-GLOBIN TYPE. Identifiers: MedGen C4693823, MONDO:0054802, OMIM 617981.
Heinz body anemia. Also called: Heinz body hemolytic anemia. Identifiers: Orphanet 178330, MedGen C0700299, MONDO:0007705, OMIM 140700, HP:0005511.
Hemoglobin H disease (HBH). Also called: ALPHA-THALASSEMIA, HEMOGLOBIN H TYPE; HEMOGLOBIN H DISEASE, DELETIONAL; Hemoglobin H (HbH) Disease. Identifiers: Orphanet 93616, MedGen C3161174, MONDO:0013512, OMIM 613978. Disease mechanism: loss of function.
Methemoglobinemia, alpha type. Identifiers: MedGen C4693798, MONDO:0020835, OMIM 617973.

Submissions (4):

Natera, Inc.
Classification: Pathogenic for Alpha thalassemia. Last evaluated: 2025-09-08. Review status: criteria provided, single submitter. Criteria: Natera Variant Classification Schema (03/2026). Collection method: clinical testing. Allele origin: germline.
Comment: The c.187delG variant in HBA1 is a frameshift variant predicted to shift the reading frame beginning at codon 63 and leads to a stop codon 5 codons downstream. This variant is expected to result in nonsense mediated decay, truncation, or a dysfunctional protein product. This variant is rare in the general population with a frequency below the threshold expected for the associated phenotype(s). This variant has been observed in one or more individuals affected with the associated recessive disease, as either homozygous or compound heterozygous with a second variant (PMID: 17486494). Given the available evidence, this variant is classified as Pathogenic.

ARUP Laboratories, Molecular Genetics and Genomics, ARUP Laboratories
Classification: Pathogenic. Last evaluated: 2025-05-28. Review status: criteria provided, single submitter. Criteria: ARUP Molecular Germline Variant Investigation Process 2024. Collection method: clinical testing. Allele origin: germline.
Comment: The Hb Champaign variant (HBA1: c.187delG; p.Val63TrpfsTer5, also known as Val62fs when numbered from the mature protein, rs1377412693, HbVar ID: 2956) has previously been reported in association with alpha thalassemia (Luo 2007, see HbVar link). This variant is only observed on one allele in the Genome Aggregation Database (v2.1.1), indicating it is not a common polymorphism. This variant causes a frameshift by deleting a single nucleotide, so it is predicted to result in a truncated protein or mRNA subject to nonsense-mediated decay. Based on available information, this variant is considered to be pathogenic. References: Link to HbVar database: Luo HY et al. Two new alpha-thalassemia frameshift mutations. Hemoglobin. 2007;31(2):135-9. PMID: 17486494

Fulgent Genetics
Classification: Likely pathogenic for Heinz body anemia; alpha Thalassemia; Hemoglobin H disease; Methemoglobinemia, alpha type; Erythrocytosis, familial, 7. Last evaluated: 2024-02-13. Review status: criteria provided, single submitter. Criteria: ACMG Guidelines, 2015. Collection method: clinical testing. Allele origin: germline.

Quest Diagnostics Nichols Institute San Juan Capistrano
Classification: Pathogenic. Last evaluated: 2023-04-13. Review status: criteria provided, single submitter. Criteria: Quest Diagnostics criteria. Collection method: clinical testing. Allele origin: unknown.
Comment: The HBA1 c.187del (p.Val63Trpfs*5) frameshift (variant also known as Hb Champaign) alters the translational reading frame of the HBA1 mRNA and causes the premature termination of HBA1 protein synthesis. It has been identified in a case of microcytosis and as causative of alpha-thalassemia (PMID: 17486494 (2007) and PMID: 23806041 (2013)). Based on the available information, this variant is classified as pathogenic.

Literature cited by the submitters: PubMed 17486494 (cited by Natera, Inc. and Quest Diagnostics Nichols Institute San Juan Capistrano); PubMed 23806041 (cited by Quest Diagnostics Nichols Institute San Juan Capistrano).

NM_000558.5(HBA1):c.187del (p.Val63fs)

Genes: HBA1 (hemoglobin subunit alpha 1; plus strand), LOC106804613 (hemoglobin subunit alpha 1 recombination region; plus strand). Cytogenetic location: 16p13.3.
Variant type: Deletion.
Coding change: c.187del on transcript NM_000558.5 (MANE Select); coding-DNA position 187, one base deleted (G; older notation c.187delG).
Protein change: p.Val63fs; shifts the reading frame from valine 63.
Molecular consequence: frameshift variant.
Genome position (GRCh38, 1-based): chr16:177,020, G deleted; the last of 2 consecutive G bases (chr16:177,019-177,020); deleting either gives the same sequence. VCF-style (leftmost placement, unchanged base first): chr16-177018-AG-A. GRCh37 (hg19) VCF-style: chr16-227017-AG-A.
Other names: c.187del (NM_000558.3); short protein forms V63fs.
Identifiers: ClinVar variation 618153 (VCV000618153.14), dbSNP rs1377412693, ClinGen allele CA620304289.
Genomic context (GRCh38, chr16:177,018, plus strand): 5'-CCTACTTCCCGCACTTCGACCTGAGCCACGGCTCTGCCCAGGTTAAGGGCCACGGCAAGA[AG>A]GTGGCCGACGCGCTGACCAACGCCGTGGCGCACGTGGACGACATGCCCAACGCGCTGTCC-3'